The following is an entry in ClinVar:

ClinVar aggregate classification (germline): Uncertain significance (1 of 4 stars; one submission).

Conditions:
Developmental and epileptic encephalopathy, 12 (DEE12). Identifiers: MedGen C3150988, MONDO:0013389, OMIM 613722.

Allele frequency attached by ClinVar (database versions not stated): gnomAD exomes 0.00001; TOPMed 0.00001.
gnomAD v4.1: 19 of 1,613,978 alleles (0.0012%); highest among the groups gnomAD compares: Non-Finnish European, 0.0014%; no homozygotes.

Submission:

Labcorp Genetics (formerly Invitae), Labcorp
Classification: Uncertain significance for Developmental and epileptic encephalopathy, 12. Last evaluated: 2022-02-10. Review status: criteria provided, single submitter. Criteria: Invitae Variant Classification Sherloc (09022015). Collection method: clinical testing. Allele origin: germline.
Comment: This sequence change replaces histidine, which is basic and polar, with arginine, which is basic and polar, at codon 938 of the PLCB1 protein (p.His938Arg). This variant is not present in population databases (gnomAD no frequency). This variant has not been reported in the literature in individuals affected with PLCB1-related conditions. ClinVar contains an entry for this variant (Variation ID: 936796). Algorithms developed to predict the effect of missense changes on protein structure and function (SIFT, PolyPhen-2, Align-GVGD) all suggest that this variant is likely to be tolerated. In summary, the available evidence is currently insufficient to determine the role of this variant in disease. Therefore, it has been classified as a Variant of Uncertain Significance.

NM_015192.4(PLCB1):c.2813A>G (p.His938Arg)

Gene: PLCB1 (phospholipase C beta 1; plus strand). Cytogenetic location: 20p12.3.
Variant type: single nucleotide variant.
Coding change: c.2813A>G on transcript NM_015192.4 (MANE Select); coding-DNA position 2813, A replaced by G.
Protein change: p.His938Arg; replaces histidine 938 with arginine.
Molecular consequence: missense variant.
Genome position (GRCh38, 1-based): chr20:8,765,241, A>G. VCF-style: chr20-8765241-A-G. GRCh37 (hg19) VCF-style: chr20-8745888-A-G.
Other names: c.2813A>G, p.His938Arg (NM_182734.3); short protein forms H938R.
Identifiers: ClinVar variation 936796 (VCV000936796.7), dbSNP rs1982257980, ClinGen allele CA408208713.